The following is an entry in ClinVar:

ClinVar aggregate classification (germline): Uncertain significance (1 of 4 stars; one submission).

Conditions:
Cardiovascular phenotype. Identifiers: MedGen CN230736.

Submission:

Molecular Diagnostic Laboratory for Inherited Cardiovascular Disease, Montreal Heart Institute
Classification: Uncertain significance for Cardiovascular phenotype. Last evaluated: 2026-03-27. Review status: criteria provided, single submitter. Criteria: ACMG Guidelines, 2015. Collection method: clinical testing. Allele origin: germline. Affected: yes.
Comment: PM2, PP2

NM_000363.5(TNNI3):c.65G>C (p.Arg22Pro)

Gene: TNNI3 (troponin I3, cardiac type; minus strand). Cytogenetic location: 19q13.42.
Variant type: single nucleotide variant.
Coding change: c.65G>C on transcript NM_000363.5 (MANE Select); coding-DNA position 65, G replaced by C.
Protein change: p.Arg22Pro; replaces arginine 22 with proline.
Molecular consequence: missense variant.
Genome position (GRCh38, 1-based): chr19:55,157,093, C>G on the plus strand (G>C on the coding strand, the complement: TNNI3 is on the minus strand). VCF-style: chr19-55157093-C-G. GRCh37 (hg19) VCF-style: chr19-55668461-C-G.
Other names: short protein forms R22P.
Identifiers: ClinVar variation 4820398 (VCV004820398.1).